The following is an entry in ClinVar:

NM_144672.4(OTOA):c.1007A>G (p.Asn336Ser)

Gene: OTOA (otoancorin). Cytogenetic location: 16p12.2.
Variant type: single nucleotide variant.
Coding change: c.1007A>G on transcript NM_144672.4 (MANE Select); coding-DNA position 1007, A replaced by G.
Protein change: p.Asn336Ser; replaces asparagine 336 with serine.
Molecular consequence: missense variant.
Genome position (GRCh38, 1-based): chr16:21,705,195, A>G. VCF-style: chr16-21705195-A-G. GRCh37 (hg19) VCF-style: chr16-21716516-A-G.
Other names: c.770A>G, p.Asn257Ser (NM_001161683.2); c.35A>G, p.Asn12Ser (NM_170664.3); short protein forms N12S, N257S, N336S.
Identifiers: ClinVar variation 2429626 (VCV002429626.4), dbSNP rs145119450, ClinGen allele CA7952522.

ClinVar aggregate classification (germline): Uncertain significance. Review status: criteria provided, multiple submitters, no conflicts (2 of 4 stars). 3 submissions from 3 submitters: Uncertain significance (3). Last evaluated 2024-12-06.

Conditions:
Inborn genetic diseases. Identifiers: MedGen C0950123, MeSH D030342.

Allele frequency attached by ClinVar (database versions not stated): gnomAD 0.00004; gnomAD exomes 0.00005; ExAC 0.00009; TOPMed 0.00009; ESP Exome Variant Server 0.00015.
gnomAD v4.1: 79 of 1,614,018 alleles (0.0049%); highest among the groups gnomAD compares: Admixed American, 0.057%; no homozygotes.

Submissions (3):

Ambry Genetics
Classification: Uncertain significance for Inborn genetic diseases. Last evaluated: 2024-12-06. Review status: criteria provided, single submitter. Criteria: Ambry Variant Classification Scheme 2023. Collection method: clinical testing. Allele origin: germline.

GeneDx
Classification: Uncertain significance. Last evaluated: 2024-09-24. Review status: criteria provided, single submitter. Criteria: GeneDx Variant Classification Process June 2021. Collection method: clinical testing. Allele origin: germline. Affected: yes.
Comment: In silico analysis supports a deleterious effect on splicing; In silico analysis indicates that this missense variant does not alter protein structure/function; Has not been previously published as pathogenic or benign to our knowledge

Blueprint Genetics
Classification: Uncertain significance. Last evaluated: 2024-09-19. Review status: criteria provided, single submitter. Criteria: ACMG Guidelines, 2015. Collection method: clinical testing. Allele origin: germline.